The following is an entry in ClinVar:

ClinVar aggregate classification (germline): Uncertain significance (1 of 4 stars; one submission).

Conditions:
Developmental delay, impaired speech, and behavioral abnormalities. Identifiers: MedGen C5561957, MONDO:0859178, OMIM 619475.

Submission:

Dasa
Classification: Uncertain significance for developmental delay, impaired speech, and behavioral abnormalities. Last evaluated: 2025-09-15. Review status: criteria provided, single submitter. Criteria: DASA Assertion Criteria. Collection method: clinical testing. Allele origin: germline.
Comment: NM_003128.3(SPTBN1):c.5822+8T>G is a splice-region variant. This variant is absent from population databases. Computational prediction algorithms are consistent with a benign effect. The currently available literature and clinical evidence are not sufficient to establish a definitive association between this variant and the reported condition. Therefore, this variant is classified as a variant of uncertain significance.

NM_003128.3(SPTBN1):c.5822+8T>G

Gene: SPTBN1 (spectrin beta, non-erythrocytic 1; plus strand). Cytogenetic location: 2p16.2.
Variant type: single nucleotide variant.
Coding change: c.5822+8T>G on transcript NM_003128.3 (MANE Select); 8 bases into the intron after coding-DNA position 5822, T replaced by G.
Molecular consequence: intron variant.
Genome position (GRCh38, 1-based): chr2:54,653,861, T>G. VCF-style: chr2-54653861-T-G. GRCh37 (hg19) VCF-style: chr2-54880998-T-G.
Other names: c.5783+8T>G (NM_178313.3).
Identifiers: ClinVar variation 4881900 (VCV004881900.2).